The following is an entry in ClinVar:

ClinVar aggregate classification (germline): Uncertain significance (1 of 4 stars; one submission).

Conditions:
Autosomal dominant nonsyndromic hearing loss 4A. Also called: Deafness, autosomal dominant 4A. Identifiers: Orphanet 90635, MedGen C1833503, MONDO:0010915, OMIM 600652.

Submission:

Laboratory of Prof. Karen Avraham, Tel Aviv University
Classification: Uncertain significance for Autosomal dominant nonsyndromic hearing loss 4A. Last evaluated: 2026-01-15. Review status: criteria provided, single submitter. Criteria: ACMG Guidelines, 2015. Collection method: research. Allele origin: germline. Inheritance: Autosomal dominant inheritance. Affected: yes. Observed: 1 heterozygote.
Comment: MYH14 is a known hearing loss–associated gene. The variant is absent from gnomAD and is predicted to be deleterious by in silico tools; however, in the absence of segregation data, it was classified as a variant of uncertain significance (VUS).

NM_001145809.2(MYH14):c.1223T>C (p.Leu408Pro)

Gene: MYH14 (myosin heavy chain 14; plus strand). Cytogenetic location: 19q13.33.
Variant type: single nucleotide variant.
Coding change: c.1223T>C on transcript NM_001145809.2 (MANE Select); coding-DNA position 1223, T replaced by C.
Protein change: p.Leu408Pro; replaces leucine 408 with proline.
Molecular consequence: missense variant.
Genome position (GRCh38, 1-based): chr19:50,247,016, T>C. VCF-style: chr19-50247016-T-C. GRCh37 (hg19) VCF-style: chr19-50750273-T-C.
Other names: c.1223T>C, p.Leu408Pro (NM_001077186.2); c.1199T>C, p.Leu400Pro (NM_024729.4); short protein forms L400P, L408P.
Identifiers: ClinVar variation 4685533 (VCV004685533.1).